The following is an entry in ClinVar:

NM_005546.4(ITK):c.1756C>G (p.His586Asp)

Gene: ITK (IL2 inducible T cell kinase; plus strand). Cytogenetic location: 5q33.3.
Variant type: single nucleotide variant.
Coding change: c.1756C>G on transcript NM_005546.4 (MANE Select); coding-DNA position 1756, C replaced by G.
Protein change: p.His586Asp; replaces histidine 586 with aspartic acid.
Molecular consequence: missense variant.
Genome position (GRCh38, 1-based): chr5:157,248,972, C>G. VCF-style: chr5-157248972-C-G. GRCh37 (hg19) VCF-style: chr5-156675982-C-G.
Other names: short protein forms H586D.
Identifiers: ClinVar variation 4622338 (VCV004622338.2).

ClinVar aggregate classification (germline): Uncertain significance. Review status: criteria provided, multiple submitters, no conflicts (2 of 4 stars). 2 submissions from 2 submitters: Uncertain significance (2). Last evaluated 2026-02-03.

Conditions:
Inborn genetic diseases. Identifiers: MedGen C0950123, MeSH D030342.
Lymphoproliferative syndrome 1 (LPFS1). Identifiers: Orphanet 238505, Orphanet 538963, MedGen C3552634, MONDO:0013081, OMIM 613011.

gnomAD v4.1: 27 of 1,613,880 alleles (0.0017%); highest among the groups gnomAD compares: South Asian, 0.029%; no homozygotes.

Submissions (2):

Labcorp Genetics (formerly Invitae), Labcorp
Classification: Uncertain significance for Lymphoproliferative syndrome 1. Last evaluated: 2026-02-03. Review status: criteria provided, single submitter. Criteria: Invitae Variant Classification Sherloc (09022015). Collection method: clinical testing. Allele origin: germline.
Comment: This sequence change replaces histidine, which is basic and polar, with aspartic acid, which is acidic and polar, at codon 586 of the ITK protein (p.His586Asp). This variant is present in population databases (rs751288025, gnomAD 0.03%). This variant has not been reported in the literature in individuals affected with ITK-related conditions. Invitae Evidence Modeling of protein sequence and biophysical properties (such as structural, functional, and spatial information, amino acid conservation, physicochemical variation, residue mobility, and thermodynamic stability) indicates that this missense variant is not expected to disrupt ITK protein function with a negative predictive value of 80%. In summary, the available evidence is currently insufficient to determine the role of this variant in disease. Therefore, it has been classified as a Variant of Uncertain Significance.

Ambry Genetics
Classification: Uncertain significance for Inborn genetic diseases. Last evaluated: 2025-10-21. Review status: criteria provided, single submitter. Criteria: Ambry Variant Classification Scheme 2023. Collection method: clinical testing. Allele origin: germline.